The following is an entry in ClinVar:

ClinVar aggregate classification (germline): Benign (0 of 4 stars; one submission).

Conditions:
MIF-related disorder. Also called: MIF-related condition.

Allele frequency attached by ClinVar (database versions not stated): ESP Exome Variant Server 0.13856; 1000 Genomes Project 30x 0.16927; TOPMed 0.17103; 1000 Genomes Project 0.17352.
gnomAD v4.1: 272,486 of 1,545,856 alleles (18%); highest among the groups gnomAD compares: Admixed American, 25%; 24,770 homozygotes.

Submissions 1 to 32 of 48:

PreventionGenetics, part of Exact Sciences
Classification: Benign for MIF-related condition. Last evaluated: 2019-10-18. Review status: no assertion criteria provided. Collection method: clinical testing. Allele origin: germline.
Comment: This variant is classified as benign based on ACMG/AMP sequence variant interpretation guidelines (Richards et al. 2015 PMID: 25741868, with internal and published modifications).

Dr. Peter K. Rogan Lab, Western University
No classification provided (evidence only). Condition: Melanoma. Review status: no classification provided. Collection method: in vitro. Allele origin: not applicable. Functional consequence: retained intron. Not counted in ClinVar's aggregate classification.

Dr. Peter K. Rogan Lab, Western University
No classification provided (evidence only). Condition: Melanoma. Review status: no classification provided. Collection method: in vitro. Allele origin: not applicable. Functional consequence: retained intron. Not counted in ClinVar's aggregate classification.

Dr. Peter K. Rogan Lab, Western University
No classification provided (evidence only). Condition: Melanoma. Review status: no classification provided. Collection method: in vitro. Allele origin: not applicable. Functional consequence: retained intron. Not counted in ClinVar's aggregate classification.

Dr. Peter K. Rogan Lab, Western University
No classification provided (evidence only). Condition: Melanoma. Review status: no classification provided. Collection method: in vitro. Allele origin: not applicable. Functional consequence: retained intron. Not counted in ClinVar's aggregate classification.

Dr. Peter K. Rogan Lab, Western University
No classification provided (evidence only). Condition: Melanoma. Review status: no classification provided. Collection method: in vitro. Allele origin: not applicable. Functional consequence: retained intron. Not counted in ClinVar's aggregate classification.

Dr. Peter K. Rogan Lab, Western University
No classification provided (evidence only). Condition: Melanoma. Review status: no classification provided. Collection method: in vitro. Allele origin: not applicable. Functional consequence: retained intron. Not counted in ClinVar's aggregate classification.

Dr. Peter K. Rogan Lab, Western University
No classification provided (evidence only). Condition: Melanoma. Review status: no classification provided. Collection method: in vitro. Allele origin: not applicable. Functional consequence: retained intron. Not counted in ClinVar's aggregate classification.

Dr. Peter K. Rogan Lab, Western University
No classification provided (evidence only). Condition: Familial cancer of breast. Review status: no classification provided. Collection method: in vitro. Allele origin: not applicable. Functional consequence: retained intron. Not counted in ClinVar's aggregate classification.

Dr. Peter K. Rogan Lab, Western University
No classification provided (evidence only). Condition: Thyroid cancer, nonmedullary, 1. Review status: no classification provided. Collection method: in vitro. Allele origin: not applicable. Functional consequence: retained intron. Not counted in ClinVar's aggregate classification.

Dr. Peter K. Rogan Lab, Western University
No classification provided (evidence only). Condition: Thyroid cancer, nonmedullary, 1. Review status: no classification provided. Collection method: in vitro. Allele origin: not applicable. Functional consequence: retained intron. Not counted in ClinVar's aggregate classification.

Dr. Peter K. Rogan Lab, Western University
No classification provided (evidence only). Condition: Thyroid cancer, nonmedullary, 1. Review status: no classification provided. Collection method: in vitro. Allele origin: not applicable. Functional consequence: retained intron. Not counted in ClinVar's aggregate classification.

Dr. Peter K. Rogan Lab, Western University
No classification provided (evidence only). Condition: Thyroid cancer, nonmedullary, 1. Review status: no classification provided. Collection method: in vitro. Allele origin: not applicable. Functional consequence: retained intron. Not counted in ClinVar's aggregate classification.

Dr. Peter K. Rogan Lab, Western University
No classification provided (evidence only). Condition: Thyroid cancer, nonmedullary, 1. Review status: no classification provided. Collection method: in vitro. Allele origin: not applicable. Functional consequence: retained intron. Not counted in ClinVar's aggregate classification.

Dr. Peter K. Rogan Lab, Western University
No classification provided (evidence only). Condition: Thyroid cancer, nonmedullary, 1. Review status: no classification provided. Collection method: in vitro. Allele origin: not applicable. Functional consequence: retained intron. Not counted in ClinVar's aggregate classification.

Dr. Peter K. Rogan Lab, Western University
No classification provided (evidence only). Condition: Thyroid cancer, nonmedullary, 1. Review status: no classification provided. Collection method: in vitro. Allele origin: not applicable. Functional consequence: retained intron. Not counted in ClinVar's aggregate classification.

Dr. Peter K. Rogan Lab, Western University
No classification provided (evidence only). Condition: Thyroid cancer, nonmedullary, 1. Review status: no classification provided. Collection method: in vitro. Allele origin: not applicable. Functional consequence: retained intron. Not counted in ClinVar's aggregate classification.

Dr. Peter K. Rogan Lab, Western University
No classification provided (evidence only). Condition: Glioma susceptibility 1. Review status: no classification provided. Collection method: in vitro. Allele origin: not applicable. Functional consequence: retained intron. Not counted in ClinVar's aggregate classification.

Dr. Peter K. Rogan Lab, Western University
No classification provided (evidence only). Condition: Malignant lymphoma, large B-cell, diffuse. Review status: no classification provided. Collection method: in vitro. Allele origin: not applicable. Functional consequence: retained intron. Not counted in ClinVar's aggregate classification.

Dr. Peter K. Rogan Lab, Western University
No classification provided (evidence only). Condition: Malignant lymphoma, large B-cell, diffuse. Review status: no classification provided. Collection method: in vitro. Allele origin: not applicable. Functional consequence: retained intron. Not counted in ClinVar's aggregate classification.

Dr. Peter K. Rogan Lab, Western University
No classification provided (evidence only). Condition: Malignant lymphoma, large B-cell, diffuse. Review status: no classification provided. Collection method: in vitro. Allele origin: not applicable. Functional consequence: retained intron. Not counted in ClinVar's aggregate classification.

Dr. Peter K. Rogan Lab, Western University
No classification provided (evidence only). Condition: Malignant lymphoma, large B-cell, diffuse. Review status: no classification provided. Collection method: in vitro. Allele origin: not applicable. Functional consequence: retained intron. Not counted in ClinVar's aggregate classification.

Dr. Peter K. Rogan Lab, Western University
No classification provided (evidence only). Condition: Malignant lymphoma, large B-cell, diffuse. Review status: no classification provided. Collection method: in vitro. Allele origin: not applicable. Functional consequence: retained intron. Not counted in ClinVar's aggregate classification.

Dr. Peter K. Rogan Lab, Western University
No classification provided (evidence only). Condition: Malignant lymphoma, large B-cell, diffuse. Review status: no classification provided. Collection method: in vitro. Allele origin: not applicable. Functional consequence: retained intron. Not counted in ClinVar's aggregate classification.

Dr. Peter K. Rogan Lab, Western University
No classification provided (evidence only). Condition: Malignant lymphoma, large B-cell, diffuse. Review status: no classification provided. Collection method: in vitro. Allele origin: not applicable. Functional consequence: retained intron. Not counted in ClinVar's aggregate classification.

Dr. Peter K. Rogan Lab, Western University
No classification provided (evidence only). Condition: Malignant lymphoma, large B-cell, diffuse. Review status: no classification provided. Collection method: in vitro. Allele origin: not applicable. Functional consequence: retained intron. Not counted in ClinVar's aggregate classification.

Dr. Peter K. Rogan Lab, Western University
No classification provided (evidence only). Condition: Malignant lymphoma, large B-cell, diffuse. Review status: no classification provided. Collection method: in vitro. Allele origin: not applicable. Functional consequence: retained intron. Not counted in ClinVar's aggregate classification.

Dr. Peter K. Rogan Lab, Western University
No classification provided (evidence only). Condition: Hepatocellular carcinoma. Review status: no classification provided. Collection method: in vitro. Allele origin: not applicable. Functional consequence: retained intron. Not counted in ClinVar's aggregate classification.

Dr. Peter K. Rogan Lab, Western University
No classification provided (evidence only). Condition: Nonpapillary renal cell carcinoma. Review status: no classification provided. Collection method: in vitro. Allele origin: not applicable. Functional consequence: retained intron. Not counted in ClinVar's aggregate classification.

Dr. Peter K. Rogan Lab, Western University
No classification provided (evidence only). Condition: Nonpapillary renal cell carcinoma. Review status: no classification provided. Collection method: in vitro. Allele origin: not applicable. Functional consequence: retained intron. Not counted in ClinVar's aggregate classification.

Dr. Peter K. Rogan Lab, Western University
No classification provided (evidence only). Condition: Nonpapillary renal cell carcinoma. Review status: no classification provided. Collection method: in vitro. Allele origin: not applicable. Functional consequence: retained intron. Not counted in ClinVar's aggregate classification.

Dr. Peter K. Rogan Lab, Western University
No classification provided (evidence only). Condition: Nonpapillary renal cell carcinoma. Review status: no classification provided. Collection method: in vitro. Allele origin: not applicable. Functional consequence: retained intron. Not counted in ClinVar's aggregate classification.

NM_002415.2(MIF):c.282-6C>G

Genes: MIF-AS1 (MIF antisense RNA 1; minus strand), MIF (macrophage migration inhibitory factor; plus strand). Cytogenetic location: 22q11.23.
Variant type: single nucleotide variant.
Coding change: c.282-6C>G on transcript NM_002415.2 (MANE Select); 6 bases into the intron before coding-DNA position 282, C replaced by G.
Molecular consequence: intron variant. On other transcripts: non-coding transcript variant (1).
Genome position (GRCh38, 1-based): chr22:23,895,034, C>G. VCF-style: chr22-23895034-C-G. GRCh37 (hg19) VCF-style: chr22-24237221-C-G.
Other names: NC_000022.10:g.24237221C>G.
Identifiers: ClinVar variation 3060033 (VCV003060033.3), dbSNP rs2070766, ClinGen allele CA10147433.